The following is an entry in ClinVar:

NM_000203.5(IDUA):c.886_894dup (p.Tyr296_Asp298dup)

Gene: IDUA (alpha-L-iduronidase; plus strand). Cytogenetic location: 4p16.3.
Variant type: Duplication.
Coding change: c.886_894dup on transcript NM_000203.5 (MANE Select); coding-DNA positions 886 to 894, 9 bases duplicated (TACAACGAC; older notation c.886_894dupTACAACGAC).
Protein change: p.Tyr296_Asp298dup.
Molecular consequence: inframe insertion. On other transcripts: non-coding transcript variant (1).
Genome position (GRCh38, 1-based): chr4:1,002,075-1,002,083, TACAACGAC duplicated. VCF-style (leftmost placement, unchanged base first): chr4-1002074-T-TTACAACGAC. GRCh37 (hg19) VCF-style: chr4-995862-T-TTACAACGAC.
Other names: NM_000203.5(IDUA):c.886_894dup; p.Tyr296_Asp298dup; c.490_498dup, p.Tyr164_Asp166dup (NM_001363576.1).
Identifiers: ClinVar variation 558316 (VCV000558316.3), dbSNP rs1553917216, ClinGen allele CA658823287.

ClinVar aggregate classification (germline): Likely pathogenic. Review status: reviewed by expert panel (3 of 4 stars). 2 submissions from 2 submitters: Likely pathogenic (1). 1 of the submissions does not count toward it. Last evaluated 2024-12-06.

Conditions:
Hurler syndrome. Also called: Gargoylism, Hurler Syndrome; MUCOPOLYSACCHARIDOSIS TYPE IH; Severe MPS I (Hurler Syndrome). Identifiers: Orphanet 93473, MedGen C0086795, MONDO:0011758, OMIM 607014.
Mucopolysaccharidosis type 1. Also called: Mucopolysaccharidosis Type I; IDUA deficiency; MPS I. Identifiers: Orphanet 579, MedGen C0023786, MONDO:0001586.

Submissions (2):

ClinGen Lysosomal Storage Disorder Variant Curation Expert Panel
Classification: Likely pathogenic for Mucopolysaccharidosis type 1. Last evaluated: 2024-12-06. Review status: reviewed by expert panel. Criteria: ClinGen LSD ACMG Specifications IDUA V1.0.0. Collection method: curation. Allele origin: germline. Inheritance: Autosomal recessive inheritance.
Comment: The NM_000203.5:c.886_894dupTACAACGAC variant is predicted to cause a change in the length of the protein (p.Tyr296_Asp298dup) due to an in-frame duplication of 3 amino acids in a non-repeat region (PM4). The duplication inserts 3 amino acids (Tyr, Asn, Asp) between Asp298 and Glu299, one of the active site nucleophiles in IDUA. Glu299 has been defined as a critical residue by the ClinGen Lysosomal Diseases VCEP (PMID: 11735025, 21480867) (PM1). This variant has been detected in one individual with MPS I, who was homozygous for the variant (PMID: 35005816) (PM3_Supporting). There is a ClinVar entry for this variant (Variation ID: 558316) In summary, this variant meets the criteria to be classified as a likely pathogenic for MPS I based on the IDUA-specific ACMG/AMP criteria applied, as specified by the ClinGen Lysosomal Diseases Variant Curation Expert Panel (Specifications Version 1.0): PM1, PM4, PM2_Supporting, PM3_Supporting (Classification approved by the ClinGen Lysosomal Diseases Variant Curation Expert Panel on December 6, 2024).

Counsyl
Classification: Uncertain significance for Hurler syndrome. Last evaluated: 2018-05-14. Review status: no assertion criteria provided. Collection method: clinical testing. Allele origin: unknown. Not counted in ClinVar's aggregate classification.